The following is an entry in ClinVar:

ClinVar aggregate classification (germline): Pathogenic (1 of 4 stars; one submission).

Submission:

Labcorp Genetics (formerly Invitae), Labcorp
Classification: Pathogenic. Last evaluated: 2020-06-10. Review status: criteria provided, single submitter. Criteria: Invitae Variant Classification Sherloc (09022015). Collection method: clinical testing. Allele origin: germline.
Comment: This variant is an out-of-frame deletion of the genomic region encompassing exons 62-68 of the VPS13A gene. This is expected to create a premature translational stop signal and result in an absent or disrupted protein product. This variant has not been reported in the literature in individuals with VPS13A-related conditions. Loss-of-function variants in VPS13A are known to be pathogenic (PMID: 12404112, 21598378). For these reasons, this variant has been classified as Pathogenic.

Literature cited by the submitters: PubMed 12404112; PubMed 21598378.

NC_000009.11:g.(?_79982961)_(79999609_?)del

Gene: VPS13A (vacuolar protein sorting 13 homolog A; plus strand). Cytogenetic location: 9q21.2.
Variant type: Deletion.
Identifiers: ClinVar variation 1068730 (VCV001068730.4).